The following is an entry in ClinVar:

NM_001330260.2(SCN8A):c.5506A>G (p.Met1836Val)

Gene: SCN8A (sodium voltage-gated channel alpha subunit 8; plus strand). Cytogenetic location: 12q13.13.
Variant type: single nucleotide variant.
Coding change: c.5506A>G on transcript NM_001330260.2 (MANE Select); coding-DNA position 5506, A replaced by G.
Protein change: p.Met1836Val; replaces methionine 1836 with valine.
Molecular consequence: missense variant.
Genome position (GRCh38, 1-based): chr12:51,806,992, A>G. VCF-style: chr12-51806992-A-G. GRCh37 (hg19) VCF-style: chr12-52200776-A-G.
Other names: c.5383A>G, p.Met1795Val (NM_001177984.3, NM_001369788.1); c.5506A>G, p.Met1836Val (NM_014191.4); short protein forms M1836V, M1795V.
Identifiers: ClinVar variation 530447 (VCV000530447.56), dbSNP rs202187894, ClinGen allele CA6571926.
Genomic context (GRCh38, chr12:51,806,992, plus strand): 5'-GAGCATCCTCTCCGAGTGCCCAAGCCCAATACCATTGAGCTCATCGCTATGGATCTGCCA[A>G]TGGTGAGCGGGGATCGCATCCACTGCTTGGACATCCTTTTTGCCTTCACCAAGCGGGTCC-3'
Protein context (NP_001317189.1, residues 1826-1846): TIELIAMDLP[Met1836Val]VSGDRIHCLD

ClinVar aggregate classification (germline): Conflicting classifications of pathogenicity. Review status: criteria provided, conflicting classifications (1 of 4 stars). 5 submissions from 5 submitters: Uncertain significance (4); Likely benign (1). Last evaluated 2026-09-26.

Conditions:
Early-infantile DEE. Also called: Early infantile epileptic encephalopathy; Ohtahara syndrome; Early infantile epileptic encephalopathy with suppression bursts. Identifiers: Orphanet 1934, MedGen C0393706, MONDO:0800491.
SCN8A-related disorder.

Allele frequency attached by ClinVar (database versions not stated): TOPMed 0.00001; ExAC 0.00002; gnomAD 0.00002 and 0.00003; gnomAD exomes 0.00002.

Submissions (5):

PreventionGenetics, part of Exact Sciences
Classification: Uncertain significance for SCN8A-related condition. Last evaluated: 2026-09-26. Review status: criteria provided, single submitter. Criteria: ACMG Guidelines, 2015. Collection method: clinical testing. Allele origin: germline.
Comment: The SCN8A c.5506A>G variant is predicted to result in the amino acid substitution p.Met1836Val. This variant has been reported in cohort studies of individuals with autism spectrum disorder (Reported via hg38 as 12:51806992:A:G, Supplementary Table 20, Fu et al. 2022. PubMed ID: 35982160; Supplementary Data 1, Zhou et al. 2022. PubMed ID: 35982159). This variant is reported in 0.0087% of alleles in individuals of Latino descent in gnomAD. At this time, the clinical significance of this variant is uncertain due to the absence of conclusive functional and genetic evidence.

CeGaT Center for Human Genetics Tuebingen
Classification: Uncertain significance. Last evaluated: 2026-06-01. Review status: criteria provided, single submitter. Criteria: CeGaT Center For Human Genetics Tuebingen Variant Classification Criteria Version 2. Collection method: clinical testing. Allele origin: germline. Affected: yes. Observed: 4 variant alleles.
Comment: SCN8A: PP2

Labcorp Genetics (formerly Invitae), Labcorp
Classification: Likely benign for Early-infantile DEE. Last evaluated: 2025-12-30. Review status: criteria provided, single submitter. Criteria: Invitae Variant Classification Sherloc (09022015). Collection method: clinical testing. Allele origin: germline.

Women's Health and Genetics/Laboratory Corporation of America, LabCorp
Classification: Uncertain significance. Last evaluated: 2025-05-09. Review status: criteria provided, single submitter. Criteria: LabCorp Variant Classification Summary - May 2015. Collection method: clinical testing. Allele origin: germline.
Comment: Variant summary: SCN8A c.5506A>G (p.Met1836Val) results in a conservative amino acid change in the encoded protein sequence. Algorithms developed to predict the effect of missense changes on protein structure and function are either unavailable or do not agree on the potential impact of this missense change. The variant allele was found at a frequency of 2.4e-05 in 249452 control chromosomes. The available data on variant occurrences in the general population are insufficient to allow any conclusion about variant significance. To our knowledge, no occurrence of c.5506A>G in individuals affected with Early Infantile Epileptic Encephalopathy 13 and no experimental evidence demonstrating its impact on protein function have been reported. ClinVar contains an entry for this variant (Variation ID: 530447). Based on the evidence outlined above, the variant was classified as uncertain significance.

Revvity Omics, Revvity
Classification: Uncertain significance. Last evaluated: 2020-05-13. Review status: criteria provided, single submitter. Criteria: ACMG Guidelines, 2015. Collection method: clinical testing. Allele origin: germline.